The following is an entry in ClinVar:

ClinVar aggregate classification (germline): Uncertain significance (1 of 4 stars; one submission).

Allele frequency attached by ClinVar (database versions not stated): TOPMed below 0.00001.

Submission:

Labcorp Genetics (formerly Invitae), Labcorp
Classification: Uncertain significance. Last evaluated: 2023-03-21. Review status: criteria provided, single submitter. Criteria: Invitae Variant Classification Sherloc (09022015). Collection method: clinical testing. Allele origin: germline.
Comment: This sequence change replaces alanine, which is neutral and non-polar, with glycine, which is neutral and non-polar, at codon 1506 of the SON protein (p.Ala1506Gly). This variant is not present in population databases (gnomAD no frequency). This variant has not been reported in the literature in individuals affected with SON-related conditions. ClinVar contains an entry for this variant (Variation ID: 1951041). An algorithm developed to predict the effect of missense changes on protein structure and function (PolyPhen-2) suggests that this variant is likely to be tolerated. In summary, the available evidence is currently insufficient to determine the role of this variant in disease. Therefore, it has been classified as a Variant of Uncertain Significance.

NM_138927.4(SON):c.4517C>G (p.Ala1506Gly)

Gene: SON (SON DNA and RNA binding protein; plus strand). Cytogenetic location: 21q22.11.
Variant type: single nucleotide variant.
Coding change: c.4517C>G on transcript NM_138927.4 (MANE Select); coding-DNA position 4517, C replaced by G.
Protein change: p.Ala1506Gly; replaces alanine 1506 with glycine.
Molecular consequence: missense variant. On other transcripts: non-coding transcript variant (1), intron variant (1).
Genome position (GRCh38, 1-based): chr21:33,553,748, C>G. VCF-style: chr21-33553748-C-G. GRCh37 (hg19) VCF-style: chr21-34926054-C-G.
Other names: c.4517C>G, p.Ala1506Gly (NM_001291411.2, NM_001412133.1, NM_032195.3 and 2 more transcripts); c.245-3408C>G (NM_001291412.3); short protein forms A1506G.
Identifiers: ClinVar variation 1951041 (VCV001951041.5), dbSNP rs2085878719, ClinGen allele CA410162788.
Genomic context (GRCh38, chr21:33,553,748, plus strand): 5'-GAATTAATCTATCCTCTGGTGATCAAAATCTTGCTCCAGAGATTGGCATGCAGGAGATTG[C>G]ATTGCATTCAGGTGAAGAACCACATGCTGAGGAACACCTGAAAGGTGACTTTTACGAAAG-3'
Protein context (NP_620305.3, residues 1496-1516): LAPEIGMQEI[Ala1506Gly]LHSGEEPHAE